The following is an entry in ClinVar:

NM_001039396.2(MPEG1):c.496G>C (p.Glu166Gln)

Gene: MPEG1 (macrophage expressed 1; minus strand). Cytogenetic location: 11q12.1.
Variant type: single nucleotide variant.
Coding change: c.496G>C on transcript NM_001039396.2 (MANE Select); coding-DNA position 496, G replaced by C.
Protein change: p.Glu166Gln; replaces glutamic acid 166 with glutamine.
Molecular consequence: missense variant.
Genome position (GRCh38, 1-based): chr11:59,212,370, C>G on the plus strand (G>C on the coding strand, the complement: MPEG1 is on the minus strand). VCF-style: chr11-59212370-C-G. GRCh37 (hg19) VCF-style: chr11-58979843-C-G.
Other names: short protein forms E166Q.
Identifiers: ClinVar variation 4882691 (VCV004882691.2).

ClinVar aggregate classification (germline): Uncertain significance (1 of 4 stars; one submission).

gnomAD v4.1: 14 of 1,614,072 alleles (0.00087%); highest among the groups gnomAD compares: Admixed American, 0.0033%; no homozygotes.

Submission:

Dasa
Classification: Uncertain significance. Last evaluated: 2025-04-13. Review status: criteria provided, single submitter. Criteria: DASA Assertion Criteria. Collection method: clinical testing. Allele origin: germline.
Comment: NM_001039396.2(MPEG1):c.496G>C (p.Glu166Gln) is a missense variant that results in the substitution of glutamic acid with glutamine. This variant is rare in population databases. Computational prediction algorithms are consistent with a benign effect. The currently available literature and clinical evidence are not sufficient to establish a definitive association between this variant and the reported condition. Therefore, this variant is classified as a variant of uncertain significance.